The following is an entry in ClinVar:

NM_000285.4(PEPD):c.566A>G (p.Asp189Gly)

Gene: PEPD (peptidase D; minus strand). Cytogenetic location: 19q13.11.
Variant type: single nucleotide variant.
Coding change: c.566A>G on transcript NM_000285.4 (MANE Select); coding-DNA position 566, A replaced by G.
Protein change: p.Asp189Gly; replaces aspartic acid 189 with glycine.
Molecular consequence: missense variant. On other transcripts: intron variant (1).
Genome position (GRCh38, 1-based): chr19:33,464,045, T>C on the plus strand (A>G on the coding strand, the complement: PEPD is on the minus strand). VCF-style: chr19-33464045-T-C. GRCh37 (hg19) VCF-style: chr19-33954951-T-C.
Other names: c.374A>G, p.Asp125Gly (NM_001166057.2); c.548+14001A>G (NM_001166056.2); c.566A>G (NM_000285.3); short protein forms D125G, D189G.
Identifiers: ClinVar variation 2046364 (VCV002046364.3), dbSNP rs151278946, ClinGen allele CA9364232.

ClinVar aggregate classification (germline): Uncertain significance. Review status: criteria provided, multiple submitters, no conflicts (2 of 4 stars). 2 submissions from 2 submitters: Uncertain significance (2). Last evaluated 2026-08-31.

Allele frequency attached by ClinVar (database versions not stated): ESP Exome Variant Server 0.00049; 1000 Genomes Project 0.00080; ExAC 0.00016; 1000 Genomes Project 30x 0.00062.
gnomAD v4.1: 130 of 1,613,170 alleles (0.0081%); highest among the groups gnomAD compares: African/African-American, 0.1%; 1 homozygote.

Submissions (2):

GeneDx
Classification: Uncertain significance. Last evaluated: 2026-08-31. Review status: criteria provided, single submitter. Criteria: GeneDx Variant Classification Process June 2021. Collection method: clinical testing. Allele origin: germline.
Comment: In silico analysis supports that this missense variant has a deleterious effect on protein structure/function; Has not been previously published as pathogenic or benign to our knowledge

Labcorp Genetics (formerly Invitae), Labcorp
Classification: Uncertain significance. Last evaluated: 2022-03-27. Review status: criteria provided, single submitter. Criteria: Invitae Variant Classification Sherloc (09022015). Collection method: clinical testing. Allele origin: germline.
Comment: This sequence change replaces aspartic acid, which is acidic and polar, with glycine, which is neutral and non-polar, at codon 189 of the PEPD protein (p.Asp189Gly). This variant is present in population databases (rs151278946, gnomAD 0.1%). This variant has not been reported in the literature in individuals affected with PEPD-related conditions. Algorithms developed to predict the effect of missense changes on protein structure and function (SIFT, PolyPhen-2, Align-GVGD) all suggest that this variant is likely to be tolerated. Algorithms developed to predict the effect of sequence changes on RNA splicing suggest that this variant may create or strengthen a splice site. In summary, the available evidence is currently insufficient to determine the role of this variant in disease. Therefore, it has been classified as a Variant of Uncertain Significance.